The following is an entry in ClinVar:

NM_001035.3(RYR2):c.11947C>T (p.Leu3983=)

Gene: RYR2 (ryanodine receptor 2; plus strand). Cytogenetic location: 1q43.
Variant type: single nucleotide variant.
Coding change: c.11947C>T on transcript NM_001035.3 (MANE Select); coding-DNA position 11947, C replaced by T.
Protein change: p.Leu3983=; no amino-acid change (leucine 3983 retained).
Molecular consequence: synonymous variant.
Genome position (GRCh38, 1-based): chr1:237,781,631, C>T. VCF-style: chr1-237781631-C-T. GRCh37 (hg19) VCF-style: chr1-237944931-C-T.
Identifiers: ClinVar variation 4736453 (VCV004736453.1).
Genomic context (GRCh38, chr1:237,781,631, plus strand): 5'-AGTCAAATTGAGCTATTAAAAGAATTAATGGATCTGCAGAAGGATATGGTGGTCATGTTG[C>T]TGTCCATGTTAGAAGGTAGTTTTGATTTATACTTTTAAATTCTCTTTATTATCTTATTTA-3'
Protein context (NP_001026.2, residues 3973-3993): DLQKDMVVML[Leu3983=]SMLEGNVVNG

ClinVar aggregate classification (germline): Conflicting classifications of pathogenicity. Review status: criteria provided, conflicting classifications (1 of 4 stars). 2 submissions from 2 submitters: Uncertain significance (1); Likely benign (1). Last evaluated 2026-01-28.

Conditions:
Catecholaminergic polymorphic ventricular tachycardia 1. Also called: VENTRICULAR TACHYCARDIA, CATECHOLAMINERGIC POLYMORPHIC, 1, WITH OR WITHOUT ATRIAL DYSFUNCTION AND/OR DILATED CARDIOMYOPATHY; RYR2-Related Catecholaminergic Polymorphic Ventricular Tachycardia; VENTRICULAR TACHYCARDIA, STRESS-INDUCED POLYMORPHIC 1. Identifiers: Orphanet 3286, MedGen C1631597, MONDO:0011484, OMIM 604772.
Cardiomyopathy (CMYO). Also called: Cardiomyopathies. Identifiers: Orphanet 167848, MedGen C0878544, MONDO:0004994, HP:0001638. Inheritance: Various modes of inheritance.

Submissions (2):

Labcorp Genetics (formerly Invitae), Labcorp
Classification: Likely benign for Catecholaminergic polymorphic ventricular tachycardia 1. Last evaluated: 2026-01-28. Review status: criteria provided, single submitter. Criteria: Invitae Variant Classification Sherloc (09022015). Collection method: clinical testing. Allele origin: germline.

Color Diagnostics, LLC DBA Color Health
Classification: Uncertain significance for Cardiomyopathy. Last evaluated: 2025-07-08. Review status: criteria provided, single submitter. Criteria: ACMG Guidelines, 2015. Collection method: clinical testing. Allele origin: germline.
Comment: This variant is located in the RYR2 protein. To our knowledge, functional studies have not been reported for this variant. This variant has not been reported in individuals affected with RYR2-related disorders in the literature. This variant has not been identified in the general population by the Genome Aggregation Database (gnomAD). The available evidence is insufficient to determine the role of this variant in disease conclusively. Therefore, this variant is classified as a Variant of Uncertain Significance.